The following is an entry in ClinVar:

ClinVar aggregate classification (germline): Uncertain significance. Review status: criteria provided, multiple submitters, no conflicts (2 of 4 stars). 6 submissions from 6 submitters: Uncertain significance (4). 2 of the submissions do not count toward it. Last evaluated 2023-06-19.

Conditions:
Epidermolysis bullosa simplex with nail dystrophy (EBS5D). Identifiers: MedGen C4225309, MONDO:0014661, OMIM 616487.
Epidermolysis bullosa simplex 5B, with muscular dystrophy (EBS5B). Also called: EPIDERMOLYSIS BULLOSA SIMPLEX AND LIMB-GIRDLE MUSCULAR DYSTROPHY; Epidermolysis bullosa simplex with muscular dystrophy. Identifiers: Orphanet 257, MedGen C2931072, MONDO:0009181, OMIM 226670.
Epidermolysis bullosa simplex, Ogna type (EBS5A). Also called: Pidermolysis bullosa simplex 5A, Ogna type; EPIDERMOLYSIS BULLOSA SIMPLEX 5A, OGNA TYPE. Identifiers: Orphanet 79401, MedGen C0432317, MONDO:0007555, OMIM 131950.
Autosomal recessive limb-girdle muscular dystrophy type 2Q (LGMDR17). Also called: MUSCULAR DYSTROPHY, LIMB-GIRDLE, AUTOSOMAL RECESSIVE 17. Identifiers: Orphanet 254361, MedGen C3150989, MONDO:0013390, OMIM 613723.
Epidermolysis bullosa simplex 5C, with pyloric atresia (EBS5C). Also called: PLEC-Related Epidermolysis Bullosa with Pyloric Atresia; Epidermolysis bullosa simplex with pyloric atresia; PLEC1-Related Epidermolysis Bullosa with Pyloric Atresia. Identifiers: Orphanet 158684, MedGen C2677349, MONDO:0012807, OMIM 612138.

Submissions (6):

Labcorp Genetics (formerly Invitae), Labcorp
Classification: Uncertain significance for Autosomal recessive limb-girdle muscular dystrophy type 2Q; Epidermolysis bullosa simplex, Ogna type; Epidermolysis bullosa simplex with nail dystrophy; Epidermolysis bullosa simplex 5C, with pyloric atresia; Epidermolysis bullosa simplex 5B, with muscular dystrophy. Last evaluated: 2023-06-19. Review status: criteria provided, single submitter. Criteria: Invitae Variant Classification Sherloc (09022015). Collection method: clinical testing. Allele origin: germline.
Comment: This variant, c.3109_3114dup, results in the insertion of 2 amino acid(s) of the PLEC protein (p.Pro1037_Leu1038dup), but otherwise preserves the integrity of the reading frame. In summary, the available evidence is currently insufficient to determine the role of this variant in disease. Therefore, it has been classified as a Variant of Uncertain Significance. Experimental studies and prediction algorithms are not available or were not evaluated, and the functional significance of this variant is currently unknown. ClinVar contains an entry for this variant (Variation ID: 538919). This variant has not been reported in the literature in individuals affected with PLEC-related conditions. This variant is present in population databases (rs782308502, gnomAD 0.04%).

Athena Diagnostics
Classification: Uncertain significance. Last evaluated: 2023-03-06. Review status: criteria provided, single submitter. Criteria: Athena Diagnostics Criteria. Collection method: clinical testing. Allele origin: unknown.
Comment: Available data are insufficient to determine the clinical significance of the variant at this time. The frequency of this variant in the general population is uninformative in assessment of its pathogenicity. Computational tools yielded predictions that this variant is unlikely to have an effect on normal RNA splicing.

Revvity Omics, Revvity
Classification: Uncertain significance. Last evaluated: 2020-05-04. Review status: criteria provided, single submitter. Criteria: ACMG Guidelines, 2015. Collection method: clinical testing. Allele origin: germline.

Genetic Services Laboratory, University of Chicago
Classification: Uncertain significance. Last evaluated: 2017-11-22. Review status: criteria provided, single submitter. Criteria: ACMG Guidelines, 2015. Collection method: clinical testing. Allele origin: germline. Affected: no.

Clinical Genetics DNA and cytogenetics Diagnostics Lab, Erasmus MC, Erasmus Medical Center
Classification: Uncertain significance. Review status: no assertion criteria provided. Collection method: clinical testing. Allele origin: germline. Affected: yes. Study: VKGL Data-share Consensus. Not counted in ClinVar's aggregate classification.

Diagnostic Laboratory, Department of Genetics, University Medical Center Groningen
Classification: Uncertain significance. Review status: no assertion criteria provided. Collection method: clinical testing. Allele origin: germline. Affected: yes. Study: VKGL Data-share Consensus. Not counted in ClinVar's aggregate classification.

NM_201384.3(PLEC):c.3028_3033dup (p.Pro1010_Leu1011dup)

Gene: PLEC (plectin; minus strand). Cytogenetic location: 8q24.3.
Variant type: Duplication.
Coding change: c.3028_3033dup on transcript NM_201384.3 (MANE Select); coding-DNA positions 3028 to 3033, 6 bases duplicated (CCGCTG; older notation c.3028_3033dupCCGCTG).
Protein change: p.Pro1010_Leu1011dup.
Molecular consequence: inframe insertion.
Genome position (GRCh38, 1-based): chr8:143,929,462-143,929,467, CAGCGG duplicated on the plus strand (CCGCTG on the coding strand, the reverse complement: PLEC is on the minus strand); duplicating any 6 consecutive bases within chr8:143,929,462-143,929,471 gives the same sequence; the c. name uses the placement nearest the transcript's 3' end. VCF-style (leftmost placement, unchanged base first): chr8-143929461-C-CCAGCGG. GRCh37 (hg19) VCF-style: chr8-145003629-C-CCAGCGG.
Other names: c.3109_3114dup (NM_000445.3); c.3109_3114dupCCGCTG (NM_000445.4); c.3109_3114dup, p.Pro1037_Leu1038dup (NM_000445.5); c.2986_2991dup, p.Pro996_Leu997dup (NM_201378.4); c.2962_2967dup, p.Pro988_Leu989dup (NM_201379.3); c.3439_3444dup, p.Pro1147_Leu1148dup (NM_201380.4); c.2932_2937dup, p.Pro978_Leu979dup (NM_201381.3); c.3028_3033dup, p.Pro1010_Leu1011dup (NM_201382.4); and 1 more.
Identifiers: ClinVar variation 538919 (VCV000538919.18), dbSNP rs782308502, ClinGen allele CA4927252.
Genomic context (GRCh38, chr8:143,929,461, plus strand): 5'-GGACGGCCCCTGCCTGCTGCTCGGCGATGCGCTGGGCACACTCCCGTGCCGGCTCTTTGT[C>CCAGCGG]CAGCGGCAGCCGCAGGCGGTGCACGGTGCGCGTCTCACAGGCCTCCAGCTGCAGCCGGAT-3'